The following is an entry in ClinVar:

NM_001165963.4(SCN1A):c.4002+2242T>C

Genes: SCN1A (sodium voltage-gated channel alpha subunit 1; minus strand), LOC102724058 (uncharacterized LOC102724058; plus strand). Cytogenetic location: 2q24.3.
Variant type: single nucleotide variant.
Coding change: c.4002+2242T>C on transcript NM_001165963.4 (MANE Select); 2242 bases into the intron after coding-DNA position 4002, T replaced by C.
Molecular consequence: intron variant.
Genome position (GRCh38, 1-based): chr2:166,007,477, A>G on the plus strand (T>C on the coding strand, the complement: SCN1A is on the minus strand). VCF-style: chr2-166007477-A-G. GRCh37 (hg19) VCF-style: chr2-166863987-A-G.
Other names: c.3969+2242T>C (NM_001353949.2, NM_001353950.2, NM_001353951.2 and 2 more transcripts); c.3918+2242T>C (NM_001353958.2, NM_001353957.2, NM_001165964.3); c.4002+2242T>C (NM_001202435.3, NM_001353948.2); c.3966+2242T>C (NM_001353955.2, NM_001353954.2); c.3915+2242T>C (NM_001353960.2); c.1560+2242T>C (NM_001353961.2).
Identifiers: ClinVar variation 2010750 (VCV002010750.4), dbSNP rs2468473219, ClinGen allele CA2580064278.

ClinVar aggregate classification (germline): Uncertain significance (1 of 4 stars; one submission).

Conditions:
Early-infantile DEE. Also called: Early infantile epileptic encephalopathy; Ohtahara syndrome; Early infantile epileptic encephalopathy with suppression bursts. Identifiers: Orphanet 1934, MedGen C0393706, MONDO:0800491.

Submission:

Labcorp Genetics (formerly Invitae), Labcorp
Classification: Uncertain significance for Early-infantile DEE. Last evaluated: 2024-05-15. Review status: criteria provided, single submitter. Criteria: Invitae Variant Classification Sherloc (09022015). Collection method: clinical testing. Allele origin: germline.
Comment: This sequence change falls in intron 20 of the SCN1A gene. It does not directly change the encoded amino acid sequence of the SCN1A protein. However, this sequence change falls within a region encompassing a cryptic exon in the SCN1A gene, in which variants have been shown to alter splicing (PMID: 30526861, 34107977). This variant is not present in population databases (gnomAD no frequency). This variant has not been reported in the literature in individuals affected with SCN1A-related conditions. ClinVar contains an entry for this variant (Variation ID: 2010750). Algorithms developed to predict the effect of sequence changes on RNA splicing suggest that this variant is not likely to affect RNA splicing. In summary, the available evidence is currently insufficient to determine the role of this variant in disease. Therefore, it has been classified as a Variant of Uncertain Significance.

Literature cited by the submitters: PubMed 30526861; PubMed 34107977.